The following is an entry in ClinVar:

ClinVar aggregate classification (germline): Likely benign. Review status: criteria provided, multiple submitters, no conflicts (2 of 4 stars). 3 submissions from 3 submitters: Likely benign (2). 1 of the submissions does not count toward it. Last evaluated 2025-12-23.

Conditions:
Tatton-Brown-Rahman overgrowth syndrome. Also called: Tall stature-intellectual disability-facial dysmorphism syndrome; Tatton-Brown-Rahman syndrome. Identifiers: Orphanet 404443, MedGen C4014545, MONDO:0014382, OMIM 615879.
DNMT3A-related disorder. Also called: DNMT3A-related disorders; DNMT3A-related condition.

Allele frequency attached by ClinVar (database versions not stated): gnomAD 0.00003; TOPMed 0.00004; ExAC 0.00007; gnomAD exomes 0.00007; 1000 Genomes Project 30x 0.00031; 1000 Genomes Project 0.00040.

Submissions (3):

Labcorp Genetics (formerly Invitae), Labcorp
Classification: Likely benign for Tatton-Brown-Rahman overgrowth syndrome. Last evaluated: 2025-12-23. Review status: criteria provided, single submitter. Criteria: Invitae Variant Classification Sherloc (09022015). Collection method: clinical testing. Allele origin: germline.

Blueprint Genetics
Classification: Likely benign. Last evaluated: 2022-09-28. Review status: criteria provided, single submitter. Criteria: ACMG Guidelines, 2015. Collection method: clinical testing. Allele origin: germline.

PreventionGenetics, part of Exact Sciences
Classification: Likely benign for DNMT3A-related condition. Last evaluated: 2021-12-08. Review status: no assertion criteria provided. Collection method: clinical testing. Allele origin: germline. Not counted in ClinVar's aggregate classification.
Comment: This variant is classified as likely benign based on ACMG/AMP sequence variant interpretation guidelines (Richards et al. 2015 PMID: 25741868, with internal and published modifications).

NM_022552.5(DNMT3A):c.75C>T (p.Asp25=)

Gene: DNMT3A (DNA methyltransferase 3 alpha; minus strand). Cytogenetic location: 2p23.3.
Variant type: single nucleotide variant.
Coding change: c.75C>T on transcript NM_022552.5 (MANE Select); coding-DNA position 75, C replaced by T.
Protein change: p.Asp25=; no amino-acid change (aspartic acid 25 retained).
Molecular consequence: synonymous variant. On other transcripts: non-coding transcript variant (1).
Genome position (GRCh38, 1-based): chr2:25,300,241, G>A on the plus strand (C>T on the coding strand, the complement: DNMT3A is on the minus strand). VCF-style: chr2-25300241-G-A. GRCh37 (hg19) VCF-style: chr2-25523110-G-A.
Other names: c.75C>T, p.Asp25= (NM_001320892.2, NM_175629.2, NM_175630.1).
Identifiers: ClinVar variation 2071645 (VCV002071645.7), dbSNP rs538820253, ClinGen allele CA1556555.
Genomic context (GRCh38, chr2:25,300,241, plus strand): 5'-TGCCGTGGTGCTGGGCTCTTGGCGCTCCTCCTTGCCACGCGGCTCCTCCTGCTCCTCTCC[G>A]TCCTGCAGGCACAGACACAGCCTGTGAGGCCAGAGGTGGATCCCAGCAGTGTAGCATTCC-3'
Protein context (NP_072046.2, residues 15-35): SAAEREEDRK[Asp25=]GEEQEEPRGK